The following is an entry in ClinVar:

ClinVar aggregate classification (germline): Uncertain significance (1 of 4 stars; one submission).

Conditions:
Succinyl-CoA acetoacetate transferase deficiency (SCOTD). Also called: Succinyl CoA:3-oxoacid CoA transferase deficiency; KETOACIDOSIS DUE TO SCOT DEFICIENCY; 3-Oxoacid CoA Transferase Deficiency; SCOT DEFICIENCY; SUCCINYL-CoA:3-KETOACID CoA-TRANSFERASE DEFICIENCY. Identifiers: Orphanet 832, MedGen C0342792, MONDO:0009492, OMIM 245050.

Allele frequency attached by ClinVar (database versions not stated): TOPMed below 0.00001.
gnomAD v4.1: 1 of 1,476,498 alleles (0.000068%); highest among the groups gnomAD compares: African/African-American, 0.0014%; no homozygotes.

Submission:

Labcorp Genetics (formerly Invitae), Labcorp
Classification: Uncertain significance for Succinyl-CoA acetoacetate transferase deficiency. Last evaluated: 2022-03-14. Review status: criteria provided, single submitter. Criteria: Invitae Variant Classification Sherloc (09022015). Collection method: clinical testing. Allele origin: germline.
Comment: In summary, the available evidence is currently insufficient to determine the role of this variant in disease. Therefore, it has been classified as a Variant of Uncertain Significance. Algorithms developed to predict the effect of sequence changes on RNA splicing suggest that this variant may create or strengthen a splice site. This variant has not been reported in the literature in individuals affected with OXCT1-related conditions. The frequency data for this variant in the population databases is considered unreliable, as metrics indicate poor data quality at this position in the gnomAD database. This sequence change falls in intron 11 of the OXCT1 gene. It does not directly change the encoded amino acid sequence of the OXCT1 protein.

NM_000436.4(OXCT1):c.1100-6G>T

Genes: OXCT1 (3-oxoacid CoA-transferase 1; minus strand), LOC121725203 (Sharpr-MPRA regulatory region 14195; plus strand). Cytogenetic location: 5p13.1.
Variant type: single nucleotide variant.
Coding change: c.1100-6G>T on transcript NM_000436.4 (MANE Select); 6 bases into the intron before coding-DNA position 1100, G replaced by T.
Molecular consequence: intron variant.
Genome position (GRCh38, 1-based): chr5:41,794,755, C>A on the plus strand (G>T on the coding strand, the complement: OXCT1 is on the minus strand). VCF-style: chr5-41794755-C-A. GRCh37 (hg19) VCF-style: chr5-41794857-C-A.
Other names: c.1094-6G>T (NM_001364301.2); c.1100-6G>T (NM_001364302.2); c.1121-6G>T (NM_001364299.2, NM_001364300.2); c.542-6G>T (NM_001364303.2).
Identifiers: ClinVar variation 2108636 (VCV002108636.4), dbSNP rs1179840640, ClinGen allele CA558867963.